The following is an entry in ClinVar:

NM_024649.5(BBS1):c.179G>C (p.Gly60Ala)

Gene: BBS1 (Bardet-Biedl syndrome 1; plus strand). Cytogenetic location: 11q13.2.
Variant type: single nucleotide variant.
Coding change: c.179G>C on transcript NM_024649.5 (MANE Select); coding-DNA position 179, G replaced by C.
Protein change: p.Gly60Ala; replaces glycine 60 with alanine.
Molecular consequence: missense variant.
Genome position (GRCh38, 1-based): chr11:66,514,425, G>C. VCF-style: chr11-66514425-G-C. GRCh37 (hg19) VCF-style: chr11-66281896-G-C.
Other names: short protein forms G60A.
Identifiers: ClinVar variation 2100455 (VCV002100455.4), dbSNP rs1361837075, ClinGen allele CA381455637.
Genomic context (GRCh38, chr11:66,514,425, plus strand): 5'-TTCAGACCCTGAGCCTAGAATGAGCCATCCTCTCCCTGCAGCTGGTGGTAGGGGACCTTG[G>C]CCCTGGTGGGCAGCAGCCCCGCCTGAAGGTGCTCAAAGGACCACTGGTGATGACCGAAAG-3'
Protein context (NP_078925.3, residues 50-70): GEYKLVVGDL[Gly60Ala]PGGQQPRLKV

ClinVar aggregate classification (germline): Uncertain significance (1 of 4 stars; one submission).

Conditions:
Bardet-Biedl syndrome (BBS). Identifiers: Orphanet 110, MedGen C0752166, MONDO:0015229.

Submission:

Labcorp Genetics (formerly Invitae), Labcorp
Classification: Uncertain significance for Bardet-Biedl syndrome. Last evaluated: 2022-04-08. Review status: criteria provided, single submitter. Criteria: Invitae Variant Classification Sherloc (09022015). Collection method: clinical testing. Allele origin: germline.
Comment: In summary, the available evidence is currently insufficient to determine the role of this variant in disease. Therefore, it has been classified as a Variant of Uncertain Significance. Algorithms developed to predict the effect of missense changes on protein structure and function are either unavailable or do not agree on the potential impact of this missense change (SIFT: "Tolerated"; PolyPhen-2: "Probably Damaging"; Align-GVGD: "Class C0"). This variant has not been reported in the literature in individuals affected with BBS1-related conditions. This variant is not present in population databases (gnomAD no frequency). This sequence change replaces glycine, which is neutral and non-polar, with alanine, which is neutral and non-polar, at codon 60 of the BBS1 protein (p.Gly60Ala).